The following is an entry in ClinVar:

NM_001378609.3(OTOGL):c.5332G>T (p.Asp1778Tyr)

Gene: OTOGL (otogelin like; plus strand). Cytogenetic location: 12q21.31.
Variant type: single nucleotide variant.
Coding change: c.5332G>T on transcript NM_001378609.3 (MANE Select); coding-DNA position 5332, G replaced by T.
Protein change: p.Asp1778Tyr; replaces aspartic acid 1778 with tyrosine.
Molecular consequence: missense variant.
Genome position (GRCh38, 1-based): chr12:80,352,361, G>T. VCF-style: chr12-80352361-G-T. GRCh37 (hg19) VCF-style: chr12-80746141-G-T.
Other names: c.5197G>T, p.Asp1733Tyr (NM_001368062.3); c.5332G>T, p.Asp1778Tyr (NM_001378610.3, NM_173591.7); short protein forms D1733Y, D1778Y.
Identifiers: ClinVar variation 1473657 (VCV001473657.8), dbSNP rs1388295401, ClinGen allele CA385885132.

ClinVar aggregate classification (germline): Uncertain significance (1 of 4 stars; one submission).

Submission:

Labcorp Genetics (formerly Invitae), Labcorp
Classification: Uncertain significance. Last evaluated: 2021-02-24. Review status: criteria provided, single submitter. Criteria: Invitae Variant Classification Sherloc (09022015). Collection method: clinical testing. Allele origin: germline.
Comment: This sequence change replaces aspartic acid with tyrosine at codon 1769 of the OTOGL protein (p.Asp1769Tyr). The aspartic acid residue is highly conserved and there is a large physicochemical difference between aspartic acid and tyrosine. This variant is not present in population databases (ExAC no frequency). This variant has not been reported in the literature in individuals with OTOGL-related conditions. Algorithms developed to predict the effect of missense changes on protein structure and function are either unavailable or do not agree on the potential impact of this missense change (SIFT: "Deleterious"; PolyPhen-2: "Probably Damaging"; Align-GVGD: "Class C15"). In summary, the available evidence is currently insufficient to determine the role of this variant in disease. Therefore, it has been classified as a Variant of Uncertain Significance.